The following is an entry in ClinVar:

ClinVar aggregate classification (germline): Uncertain significance. Review status: criteria provided, multiple submitters, no conflicts (2 of 4 stars). 2 submissions from 2 submitters: Uncertain significance (2). Last evaluated 2025-02-06.

Conditions:
FG syndrome (FGS). Identifiers: MedGen C0220769, MONDO:0002010.
Familial thoracic aortic aneurysm and aortic dissection (TAAD). Also called: Thoracic aortic aneurysms and dissections. Identifiers: Orphanet 91387, MedGen C4707243, MONDO:0019625.

Submissions (2):

Labcorp Genetics (formerly Invitae), Labcorp
Classification: Uncertain significance for FG syndrome. Last evaluated: 2025-02-06. Review status: criteria provided, single submitter. Criteria: Invitae Variant Classification Sherloc (09022015). Collection method: clinical testing. Allele origin: germline.
Comment: This sequence change replaces glycine, which is neutral and non-polar, with serine, which is neutral and polar, at codon 1256 of the MED12 protein (p.Gly1256Ser). This variant is not present in population databases (gnomAD no frequency). This variant has not been reported in the literature in individuals affected with MED12-related conditions. ClinVar contains an entry for this variant (Variation ID: 3394453). Invitae Evidence Modeling of protein sequence and biophysical properties (such as structural, functional, and spatial information, amino acid conservation, physicochemical variation, residue mobility, and thermodynamic stability) indicates that this missense variant is not expected to disrupt MED12 protein function with a negative predictive value of 95%. In summary, the available evidence is currently insufficient to determine the role of this variant in disease. Therefore, it has been classified as a Variant of Uncertain Significance.

Ambry Genetics
Classification: Uncertain significance for Familial thoracic aortic aneurysm and aortic dissection. Last evaluated: 2024-09-08. Review status: criteria provided, single submitter. Criteria: Ambry Variant Classification Scheme 2023. Collection method: clinical testing. Allele origin: germline.
Comment: The p.G1256S variant (also known as c.3766G>A), located in coding exon 27 of the MED12 gene, results from a G to A substitution at nucleotide position 3766. The glycine at codon 1256 is replaced by serine, an amino acid with similar properties. This amino acid position is conserved. In addition, this alteration is predicted to be tolerated by in silico analysis. Based on the available evidence, the clinical significance of this variant remains unclear.

NM_005120.3(MED12):c.3766G>A (p.Gly1256Ser)

Gene: MED12 (mediator complex subunit 12; plus strand). Cytogenetic location: Xq13.1.
Variant type: single nucleotide variant.
Coding change: c.3766G>A on transcript NM_005120.3 (MANE Select); coding-DNA position 3766, G replaced by A.
Protein change: p.Gly1256Ser; replaces glycine 1256 with serine.
Molecular consequence: missense variant.
Genome position (GRCh38, 1-based): chrX:71,129,754, G>A. VCF-style: chrX-71129754-G-A. GRCh37 (hg19) VCF-style: chrX-70349604-G-A.
Other names: short protein forms G1256S.
Identifiers: ClinVar variation 3394453 (VCV003394453.3).